The following is an entry in ClinVar:

ClinVar aggregate classification (germline): Conflicting classifications of pathogenicity. Review status: criteria provided, conflicting classifications (1 of 4 stars). 2 submissions from 2 submitters: Uncertain significance (1); Likely benign (1). Last evaluated 2025-11-02.

Allele frequency attached by ClinVar (database versions not stated): TOPMed 0.00002; gnomAD 0.00001.
gnomAD v4.1: 20 of 1,612,778 alleles (0.0012%); highest among the groups gnomAD compares: South Asian, 0.0044%; no homozygotes.

Submissions (2):

Labcorp Genetics (formerly Invitae), Labcorp
Classification: Uncertain significance. Last evaluated: 2025-11-02. Review status: criteria provided, single submitter. Criteria: Invitae Variant Classification Sherloc (09022015). Collection method: clinical testing. Allele origin: germline.
Comment: This sequence change replaces serine, which is neutral and polar, with leucine, which is neutral and non-polar, at codon 504 of the CEP89 protein (p.Ser504Leu). This variant is present in population databases (rs764278381, gnomAD 0.01%). This variant has not been reported in the literature in individuals affected with CEP89-related conditions. ClinVar contains an entry for this variant (Variation ID: 2256119). An algorithm developed to predict the effect of missense changes on protein structure and function outputs the following: PolyPhen-2: "Benign". The leucine amino acid residue is found in multiple mammalian species, which suggests that this missense change does not adversely affect protein function. In summary, the available evidence is currently insufficient to determine the role of this variant in disease. Therefore, it has been classified as a Variant of Uncertain Significance.

Ambry Genetics
Classification: Likely benign. Last evaluated: 2021-10-20. Review status: criteria provided, single submitter. Criteria: Ambry Variant Classification Scheme 2023. Collection method: clinical testing. Allele origin: germline.

NM_032816.5(CEP89):c.1511C>T (p.Ser504Leu)

Gene: CEP89 (centrosomal protein 89; minus strand). Cytogenetic location: 19q13.11.
Variant type: single nucleotide variant.
Coding change: c.1511C>T on transcript NM_032816.5 (MANE Select); coding-DNA position 1511, C replaced by T.
Protein change: p.Ser504Leu; replaces serine 504 with leucine.
Molecular consequence: missense variant.
Genome position (GRCh38, 1-based): chr19:32,915,391, G>A on the plus strand (C>T on the coding strand, the complement: CEP89 is on the minus strand). VCF-style: chr19-32915391-G-A. GRCh37 (hg19) VCF-style: chr19-33406297-G-A.
Other names: short protein forms S504L.
Identifiers: ClinVar variation 2256119 (VCV002256119.3), dbSNP rs764278381, ClinGen allele CA9359277.